The following is an entry in ClinVar:

ClinVar aggregate classification (germline): Likely benign. Review status: criteria provided, multiple submitters, no conflicts (2 of 4 stars). 3 submissions from 3 submitters: Likely benign (3). Last evaluated 2026-09-04.

Conditions:
CNNM4-related disorder. Also called: CNNM4-related condition.

Allele frequency attached by ClinVar (database versions not stated): ExAC 0.00003; gnomAD exomes 0.00004 and 0.00012; gnomAD 0.00005 and 0.00006; TOPMed 0.00005; ESP Exome Variant Server 0.00008.
gnomAD v4.1: 184 of 1,612,352 alleles (0.011%); highest among the groups gnomAD compares: Non-Finnish European, 0.015%; no homozygotes.

Submissions (3):

PreventionGenetics, part of Exact Sciences
Classification: Likely benign for CNNM4-related condition. Last evaluated: 2026-09-04. Review status: criteria provided, single submitter. Criteria: ACMG Guidelines, 2015. Collection method: clinical testing. Allele origin: germline.
Comment: This variant is classified as likely benign based on ACMG/AMP sequence variant interpretation guidelines (Richards et al. 2015 PMID: 25741868, with internal and published modifications).

Labcorp Genetics (formerly Invitae), Labcorp
Classification: Likely benign. Last evaluated: 2025-01-02. Review status: criteria provided, single submitter. Criteria: Invitae Variant Classification Sherloc (09022015). Collection method: clinical testing. Allele origin: germline.

Blueprint Genetics
Classification: Likely benign. Last evaluated: 2022-11-16. Review status: criteria provided, single submitter. Criteria: ACMG Guidelines, 2015. Collection method: clinical testing. Allele origin: germline.

NM_020184.4(CNNM4):c.1403-9G>A

Gene: CNNM4 (cyclin and CBS domain divalent metal cation transport mediator 4; plus strand). Cytogenetic location: 2q11.2.
Variant type: single nucleotide variant.
Coding change: c.1403-9G>A on transcript NM_020184.4 (MANE Select); 9 bases into the intron before coding-DNA position 1403, G replaced by A.
Molecular consequence: intron variant.
Genome position (GRCh38, 1-based): chr2:96,797,003, G>A. VCF-style: chr2-96797003-G-A. GRCh37 (hg19) VCF-style: chr2-97462740-G-A.
Other names: c.1403-9G>A (NM_020184.3).
Identifiers: ClinVar variation 1156987 (VCV001156987.11), dbSNP rs374164168, ClinGen allele CA1783358.